The following is an entry in ClinVar:

NM_001005242.3(PKP2):c.784C>T (p.Leu262=)

Gene: PKP2 (plakophilin 2; minus strand). Cytogenetic location: 12p11.21.
Variant type: single nucleotide variant.
Coding change: c.784C>T on transcript NM_001005242.3 (MANE Select); coding-DNA position 784, C replaced by T.
Protein change: p.Leu262=; no amino-acid change (leucine 262 retained).
Molecular consequence: synonymous variant.
Genome position (GRCh38, 1-based): chr12:32,878,096, G>A on the plus strand (C>T on the coding strand, the complement: PKP2 is on the minus strand). VCF-style: chr12-32878096-G-A. GRCh37 (hg19) VCF-style: chr12-33031030-G-A.
Other names: c.784C>T, p.Leu262= (NM_001407155.1, NM_001407156.1, NM_001407157.1 and 2 more transcripts); c.457C>T, p.Leu153= (NM_001407158.1, NM_001407159.1, NM_001407160.1 and 1 more transcripts).
Identifiers: ClinVar variation 3070042 (VCV003070042.4), dbSNP rs199701968, ClinGen allele CA479387479.
Genomic context (GRCh38, chr12:32,878,096, plus strand): 5'-GAGTGACGGGCTGCAGGGGCACCAGCGGCCTGACCTGCCCGACAGTGAGCCCTGCCGTCA[G>A]GTAGTTCTCCTTCTCCAAGAGGTTGCCCATGCTGCGGCTGGTCCCTGGCCTGGGGTACGT-3'
Protein context (NP_001005242.2, residues 252-272): MGNLLEKENY[Leu262=]TAGLTVGQVR

ClinVar aggregate classification (germline): Likely benign. Review status: criteria provided, multiple submitters, no conflicts (2 of 4 stars). 2 submissions from 2 submitters: Likely benign (2). Last evaluated 2024-08-13.

Conditions:
Arrhythmogenic right ventricular cardiomyopathy (ARVD). Also called: Arrhythmogenic right ventricular dysplasia; Cardiomyopathy, ARVC; Arrhythmogenic cardiomyopathy; Arrhythmogenic Right Ventricular Cardiomyopathy (ARVC). Identifiers: Orphanet 247, MedGen C0349788, MeSH D019571, MONDO:0016587. Disease mechanism: loss of function. Inheritance: Various modes of inheritance.
Arrhythmogenic right ventricular dysplasia 9 (ARVD9). Also called: Arrhythmogenic Right Ventricular Dysplasia/Cardiomyopathy 9; ARRHYTHMOGENIC RIGHT VENTRICULAR DYSPLASIA, FAMILIAL, 9. Identifiers: MedGen C1836906, MONDO:0012180, OMIM 609040.

Submissions (2):

All of Us Research Program, National Institutes of Health
Classification: Likely benign for Arrhythmogenic right ventricular cardiomyopathy. Last evaluated: 2024-08-13. Review status: criteria provided, single submitter. Criteria: ACMG Guidelines, 2015. Collection method: clinical testing. Allele origin: germline. Inheritance: Autosomal dominant inheritance. Observed: 2 variant alleles, 2 heterozygotes.
Comment: This study involves interpretation of variants in research participants for the purpose of population health screening. Participant phenotype was not available at the time of variant classification. Additional details can be found in publication PMID: 35346344, PMCID: PMC8962531

Labcorp Genetics (formerly Invitae), Labcorp
Classification: Likely benign for Arrhythmogenic right ventricular dysplasia 9. Last evaluated: 2024-06-30. Review status: criteria provided, single submitter. Criteria: Invitae Variant Classification Sherloc (09022015). Collection method: clinical testing. Allele origin: germline.